The following is an entry in ClinVar:

NM_001943.5(DSG2):c.2470C>G (p.Arg824Gly)

Genes: DSG2 (desmoglein 2; plus strand), DSG2-AS1 (DSG2 antisense RNA 1; minus strand). Cytogenetic location: 18q12.1.
Variant type: single nucleotide variant.
Coding change: c.2470C>G on transcript NM_001943.5 (MANE Select); coding-DNA position 2470, C replaced by G.
Protein change: p.Arg824Gly; replaces arginine 824 with glycine.
Molecular consequence: missense variant. On other transcripts: non-coding transcript variant (1).
Genome position (GRCh38, 1-based): chr18:31,545,856, C>G. VCF-style: chr18-31545856-C-G. GRCh37 (hg19) VCF-style: chr18-29125819-C-G.
Other names: short protein forms R824G.
Identifiers: ClinVar variation 2775236 (VCV002775236.3), dbSNP rs201845396, ClinGen allele CA046122.

ClinVar aggregate classification (germline): Uncertain significance. Review status: criteria provided, multiple submitters, no conflicts (2 of 4 stars). 2 submissions from 2 submitters: Uncertain significance (2). Last evaluated 2025-06-06.

Conditions:
Cardiomyopathy (CMYO). Also called: Cardiomyopathies. Identifiers: Orphanet 167848, MedGen C0878544, MONDO:0004994, HP:0001638. Inheritance: Various modes of inheritance.
Arrhythmogenic right ventricular dysplasia 10. Also called: Arrhythmogenic right ventricular dysplasia/cardiomyopathy, type 10; Arrhythmogenic Right Ventricular Dysplasia/Cardiomyopathy10; ARRHYTHMOGENIC RIGHT VENTRICULAR DYSPLASIA, FAMILIAL, 10. Identifiers: MedGen C1857777, MONDO:0012434, OMIM 610193.

gnomAD v4.1: 5 of 1,614,118 alleles (0.00031%); highest among the groups gnomAD compares: East Asian, 0.0045%; no homozygotes.

Submissions (2):

Labcorp Genetics (formerly Invitae), Labcorp
Classification: Uncertain significance for Arrhythmogenic right ventricular dysplasia 10. Last evaluated: 2025-06-06. Review status: criteria provided, single submitter. Criteria: Invitae Variant Classification Sherloc (09022015). Collection method: clinical testing. Allele origin: germline.
Comment: This sequence change replaces arginine, which is basic and polar, with glycine, which is neutral and non-polar, at codon 824 of the DSG2 protein (p.Arg824Gly). This variant is present in population databases (rs201845396, gnomAD 0.006%). This variant has not been reported in the literature in individuals affected with DSG2-related conditions. ClinVar contains an entry for this variant (Variation ID: 2775236). Invitae Evidence Modeling of protein sequence and biophysical properties (such as structural, functional, and spatial information, amino acid conservation, physicochemical variation, residue mobility, and thermodynamic stability) indicates that this missense variant is not expected to disrupt DSG2 protein function with a negative predictive value of 95%. In summary, the available evidence is currently insufficient to determine the role of this variant in disease. Therefore, it has been classified as a Variant of Uncertain Significance.

Color Diagnostics, LLC DBA Color Health
Classification: Uncertain significance for Cardiomyopathy. Last evaluated: 2023-06-16. Review status: criteria provided, single submitter. Criteria: ACMG Guidelines, 2015. Collection method: clinical testing. Allele origin: germline.
Comment: This missense variant replaces arginine with glycine at codon 824 of the DSG2 protein. Computational prediction suggests that this variant may not impact protein structure and function (internally defined REVEL score threshold <= 0.5, PMID: 27666373). To our knowledge, functional studies have not been reported for this variant. This variant has been reported in an individual affected with sudden unexpected death with epilepsy (PMID: 31024045). This variant has been identified in 2/249326 chromosomes in the general population by the Genome Aggregation Database (gnomAD). The available evidence is insufficient to determine the role of this variant in disease conclusively. Therefore, this variant is classified as a Variant of Uncertain Significance.

Literature cited by the submitters: PubMed 31024045 (cited by Color Diagnostics, LLC DBA Color Health).